The following is an entry in ClinVar:

NM_000277.3(PAH):c.392T>C (p.Phe131Ser)

Gene: PAH (phenylalanine hydroxylase; minus strand). Cytogenetic location: 12q23.2.
Variant type: single nucleotide variant.
Coding change: c.392T>C on transcript NM_000277.3 (MANE Select); coding-DNA position 392, T replaced by C.
Protein change: p.Phe131Ser; replaces phenylalanine 131 with serine.
Molecular consequence: missense variant.
Genome position (GRCh38, 1-based): chr12:102,877,511, A>G on the plus strand (T>C on the coding strand, the complement: PAH is on the minus strand). VCF-style: chr12-102877511-A-G. GRCh37 (hg19) VCF-style: chr12-103271289-A-G.
Other names: c.392T>C, p.Phe131Ser (NM_001354304.2); short protein forms F131S.
Identifiers: ClinVar variation 1428257 (VCV001428257.3), dbSNP rs1876624286, ClinGen allele CA386302199.
Genomic context (GRCh38, chr12:102,877,511, plus strand): 5'-CATGGACTCACAGGGTGGTCAGCATCCAGTTCCGCTCCATAGCTGAGAATCTGATTGGCA[A>G]ATCTGTCCAGCTCTTGAATGGTTCTTGGGAACCAGGGCACTGAAACACAGAGAAGGCAAC-3'
Protein context (NP_000268.1, residues 121-141): FPRTIQELDR[Phe131Ser]ANQILSYGAE

ClinVar aggregate classification (germline): Uncertain significance (1 of 4 stars; one submission).

Conditions:
Phenylketonuria (PKU). Also called: OLIGOPHRENIA PHENYLPYRUVICA; Phenylketonurias; Phenylketonuria (PKU); FOLLING DISEASE. Identifiers: Orphanet 716, MedGen C0031485, MONDO:0009861, OMIM 261600. Disease mechanism: loss of function.

Allele frequency attached by ClinVar (database versions not stated): TOPMed below 0.00001; gnomAD exomes below 0.00001.
gnomAD v4.1: 3 of 1,614,104 alleles (0.00019%); highest among the groups gnomAD compares: Non-Finnish European, 0.00025%; no homozygotes.

Submission:

Labcorp Genetics (formerly Invitae), Labcorp
Classification: Uncertain significance for Phenylketonuria. Last evaluated: 2021-12-03. Review status: criteria provided, single submitter. Criteria: Invitae Variant Classification Sherloc (09022015). Collection method: clinical testing. Allele origin: germline.
Comment: This sequence change replaces phenylalanine, which is neutral and non-polar, with serine, which is neutral and polar, at codon 131 of the PAH protein (p.Phe131Ser). This variant is not present in population databases (gnomAD no frequency). This variant has not been reported in the literature in individuals affected with PAH-related conditions. Advanced modeling of protein sequence and biophysical properties (such as structural, functional, and spatial information, amino acid conservation, physicochemical variation, residue mobility, and thermodynamic stability) performed at Invitae indicates that this missense variant is expected to disrupt PAH protein function. In summary, the available evidence is currently insufficient to determine the role of this variant in disease. Therefore, it has been classified as a Variant of Uncertain Significance.